The following is an entry in ClinVar:

ClinVar aggregate classification (germline): Uncertain significance (1 of 4 stars; one submission).

Submission:

Ambry Genetics
Classification: Uncertain significance. Last evaluated: 2023-04-18. Review status: criteria provided, single submitter. Criteria: Ambry Variant Classification Scheme 2023. Collection method: clinical testing. Allele origin: germline.
Comment: The p.R509L variant (also known as c.1526G>T), located in coding exon 14 of the RAD54L gene, results from a G to T substitution at nucleotide position 1526. The arginine at codon 509 is replaced by leucine, an amino acid with dissimilar properties. This amino acid position is conserved. In addition, the in silico prediction for this alteration is inconclusive. Since supporting evidence is limited at this time, the clinical significance of this alteration remains unclear.

NM_003579.4(RAD54L):c.1526G>T (p.Arg509Leu)

Gene: RAD54L (RAD54 like; plus strand). Cytogenetic location: 1p34.1.
Variant type: single nucleotide variant.
Coding change: c.1526G>T on transcript NM_003579.4 (MANE Select); coding-DNA position 1526, G replaced by T.
Protein change: p.Arg509Leu; replaces arginine 509 with leucine.
Molecular consequence: missense variant.
Genome position (GRCh38, 1-based): chr1:46,273,663, G>T. VCF-style: chr1-46273663-G-T. GRCh37 (hg19) VCF-style: chr1-46739335-G-T.
Other names: c.1526G>T, p.Arg509Leu (NM_001142548.2); c.986G>T, p.Arg329Leu (NM_001370766.1); short protein forms R509L, R329L.
Identifiers: ClinVar variation 2562794 (VCV002562794.2), dbSNP rs748191191, ClinGen allele CA340182019.